The following is an entry in ClinVar:

NM_138927.4(SON):c.3302G>T (p.Arg1101Leu)

Gene: SON (SON DNA and RNA binding protein; plus strand). Cytogenetic location: 21q22.11.
Variant type: single nucleotide variant.
Coding change: c.3302G>T on transcript NM_138927.4 (MANE Select); coding-DNA position 3302, G replaced by T.
Protein change: p.Arg1101Leu; replaces arginine 1101 with leucine.
Molecular consequence: missense variant. On other transcripts: non-coding transcript variant (1), intron variant (1).
Genome position (GRCh38, 1-based): chr21:33,552,533, G>T. VCF-style: chr21-33552533-G-T. GRCh37 (hg19) VCF-style: chr21-34924839-G-T.
Other names: c.3302G>T, p.Arg1101Leu (NM_001291411.2, NM_032195.3); c.245-4623G>T (NM_001291412.3); c.3302G>T (NM_138927.2); short protein forms R1101L.
Identifiers: ClinVar variation 1303838 (VCV001303838.3), dbSNP rs763843527, ClinGen allele CA410159907.

ClinVar aggregate classification (germline): Uncertain significance (1 of 4 stars; one submission).

gnomAD v4.1: 3 of 1,613,932 alleles (0.00019%); highest among the groups gnomAD compares: Non-Finnish European, 0.00025%; no homozygotes.

Submission:

GeneDx
Classification: Uncertain significance. Last evaluated: 2024-10-06. Review status: criteria provided, single submitter. Criteria: GeneDx Variant Classification Process June 2021. Collection method: clinical testing. Allele origin: germline. Affected: yes.
Comment: Not observed at significant frequency in large population cohorts (gnomAD); In silico analysis supports that this missense variant has a deleterious effect on protein structure/function; Has not been previously published as pathogenic or benign to our knowledge